The following is an entry in ClinVar:

NM_005751.5(AKAP9):c.8384C>T (p.Pro2795Leu)

Gene: AKAP9 (A-kinase anchoring protein 9; plus strand). Cytogenetic location: 7q21.2.
Variant type: single nucleotide variant.
Coding change: c.8384C>T on transcript NM_005751.5 (MANE Select); coding-DNA position 8384, C replaced by T.
Protein change: p.Pro2795Leu; replaces proline 2795 with leucine.
Molecular consequence: missense variant.
Genome position (GRCh38, 1-based): chr7:92,083,393, C>T. VCF-style: chr7-92083393-C-T. GRCh37 (hg19) VCF-style: chr7-91712707-C-T.
Other names: c.3029C>T, p.Pro1010Leu (NM_001379277.1); c.8360C>T, p.Pro2787Leu (NM_147185.3); short protein forms P1010L, P2795L, P2787L.
Identifiers: ClinVar variation 1763172 (VCV001763172.2), dbSNP rs1813938778, ClinGen allele CA368138725.

ClinVar aggregate classification (germline): Uncertain significance (1 of 4 stars; one submission).

Conditions:
Cardiovascular phenotype. Identifiers: MedGen CN230736.

Allele frequency attached by ClinVar (database versions not stated): TOPMed below 0.00001.

Submission:

Ambry Genetics
Classification: Uncertain significance for Cardiovascular phenotype. Last evaluated: 2021-08-02. Review status: criteria provided, single submitter. Criteria: Ambry Variant Classification Scheme 2023. Collection method: clinical testing. Allele origin: germline.
Comment: The p.P2795L variant (also known as c.8384C>T), located in coding exon 33 of the AKAP9 gene, results from a C to T substitution at nucleotide position 8384. The proline at codon 2795 is replaced by leucine, an amino acid with similar properties. This amino acid position is conserved. In addition, this alteration is predicted to be tolerated by in silico analysis. Since supporting evidence is limited at this time, the clinical significance of this alteration remains unclear.